The following is an entry in ClinVar:

NM_000071.3(CBS):c.837_841dup (p.Asp281fs)

Gene: CBS (cystathionine beta-synthase; minus strand). Cytogenetic location: 21q22.3.
Variant type: Duplication.
Coding change: c.837_841dup on transcript NM_000071.3 (MANE Select); coding-DNA positions 837 to 841, 5 bases duplicated (GGTGG; older notation c.837_841dupGGTGG).
Protein change: p.Asp281fs; shifts the reading frame from aspartic acid 281.
Molecular consequence: frameshift variant.
Genome position (GRCh38, 1-based): chr21:43,063,066-43,063,070, CCACC duplicated on the plus strand (GGTGG on the coding strand, the reverse complement: CBS is on the minus strand); duplicating any 5 consecutive bases within chr21:43,063,066-43,063,073 gives the same sequence; the c. name uses the placement nearest the transcript's 3' end. VCF-style (leftmost placement, unchanged base first): chr21-43063065-T-TCCACC. GRCh37 (hg19) VCF-style: chr21-44483175-T-TCCACC.
Other names: c.837_841dup, p.Asp281fs (NM_001178009.3, NM_001320298.2, NM_001178008.3); c.522_526dup, p.Asp176fs (NM_001321072.1); short protein forms D176fs, D281fs.
Identifiers: ClinVar variation 2201986 (VCV002201986.4), dbSNP rs2517429476, ClinGen allele CA2580099020.

ClinVar aggregate classification (germline): Pathogenic (1 of 4 stars; one submission).

Conditions:
HYPERHOMOCYSTEINEMIA, THROMBOTIC, CBS-RELATED. Identifiers: MedGen C3150344, OMIM 236200.

Submission:

Labcorp Genetics (formerly Invitae), Labcorp
Classification: Pathogenic for HYPERHOMOCYSTEINEMIA, THROMBOTIC, CBS-RELATED. Last evaluated: 2022-09-02. Review status: criteria provided, single submitter. Criteria: Invitae Variant Classification Sherloc (09022015). Collection method: clinical testing. Allele origin: germline.
Comment: This sequence change creates a premature translational stop signal (p.Asp281Glyfs*15) in the CBS gene. It is expected to result in an absent or disrupted protein product. Loss-of-function variants in CBS are known to be pathogenic (PMID: 10338090, 12124992). For these reasons, this variant has been classified as Pathogenic. Algorithms developed to predict the effect of sequence changes on RNA splicing suggest that this variant may create or strengthen a splice site. This variant has not been reported in the literature in individuals affected with CBS-related conditions. This variant is not present in population databases (gnomAD no frequency).

Literature cited by the submitters: PubMed 10338090; PubMed 12124992.